The following is an entry in ClinVar:

ClinVar aggregate classification (germline): Uncertain significance. Review status: criteria provided, multiple submitters, no conflicts (2 of 4 stars). 2 submissions from 2 submitters: Uncertain significance (2). Last evaluated 2025-03-06.

Conditions:
GNPTG-related disorder. Also called: GNPTG-related condition.

Submissions (2):

PreventionGenetics, part of Exact Sciences
Classification: Uncertain significance for GNPTG-related condition. Last evaluated: 2025-03-06. Review status: criteria provided, single submitter. Criteria: ACMG Guidelines, 2015. Collection method: clinical testing. Allele origin: germline.
Comment: The GNPTG c.233+5G>C variant is predicted to interfere with splicing. This variant has been reported in an individual with mucolipidosis III gamma (Velho et al. 2019. PubMed ID: 30882951). This variant has not been reported in a large population database (gnomAD), indicating this variant is rare. This variant is predicted to alter splicing based on available splicing prediction programs (SpliceAI, Jaganathan et al. 2019. PubMed ID: 30661751). However, the use of computer prediction programs is not equivalent to functional evidence. Although we suspect that this variant may be pathogenic, at this time, the clinical significance of this variant is uncertain due to the absence of conclusive functional and genetic evidence.

Labcorp Genetics (formerly Invitae), Labcorp
Classification: Uncertain significance. Last evaluated: 2022-04-04. Review status: criteria provided, single submitter. Criteria: Invitae Variant Classification Sherloc (09022015). Collection method: clinical testing. Allele origin: germline.
Comment: This sequence change falls in intron 4 of the GNPTG gene. It does not directly change the encoded amino acid sequence of the GNPTG protein. It affects a nucleotide within the consensus splice site. This variant is not present in population databases (gnomAD no frequency). This variant has not been reported in the literature in individuals affected with GNPTG-related conditions. Variants that disrupt the consensus splice site are a relatively common cause of aberrant splicing (PMID: 17576681, 9536098). Algorithms developed to predict the effect of sequence changes on RNA splicing suggest that this variant may disrupt the consensus splice site. In summary, the available evidence is currently insufficient to determine the role of this variant in disease. Therefore, it has been classified as a Variant of Uncertain Significance.

Literature cited by the submitters: PubMed 17576681 (cited by Labcorp Genetics (formerly Invitae), Labcorp); PubMed 9536098 (cited by Labcorp Genetics (formerly Invitae), Labcorp).

NM_032520.5(GNPTG):c.233+5G>C

Gene: GNPTG (N-acetylglucosamine-1-phosphate transferase subunit gamma; plus strand). Cytogenetic location: 16p13.3.
Variant type: single nucleotide variant.
Coding change: c.233+5G>C on transcript NM_032520.5 (MANE Select); 5 bases into the intron after coding-DNA position 233, G replaced by C.
Molecular consequence: intron variant.
Genome position (GRCh38, 1-based): chr16:1,361,802, G>C. VCF-style: chr16-1361802-G-C. GRCh37 (hg19) VCF-style: chr16-1411803-G-C.
Other names: c.233+5G>C (NM_032520.4).
Identifiers: ClinVar variation 2419081 (VCV002419081.7), dbSNP rs1060499691, ClinGen allele CA2580090491.